The following is an entry in ClinVar:

NM_005639.3(SYT1):c.789G>A (p.Leu263=)

Gene: SYT1 (synaptotagmin 1; plus strand). Cytogenetic location: 12q21.2.
Variant type: single nucleotide variant.
Coding change: c.789G>A on transcript NM_005639.3 (MANE Select); coding-DNA position 789, G replaced by A.
Protein change: p.Leu263=; no amino-acid change (leucine 263 retained).
Molecular consequence: synonymous variant.
Genome position (GRCh38, 1-based): chr12:79,299,530, G>A. VCF-style: chr12-79299530-G-A. GRCh37 (hg19) VCF-style: chr12-79693310-G-A.
Other names: c.789G>A, p.Leu263= (NM_001135805.2, NM_001135806.2, NM_001415938.1 and 2 more transcripts); c.780G>A, p.Leu260= (NM_001291901.2, NM_001415941.1, NM_001415942.1 and 1 more transcripts).
Identifiers: ClinVar variation 3033179 (VCV003033179.2), dbSNP rs757992677, ClinGen allele CA6698885.

ClinVar aggregate classification (germline): Likely benign (0 of 4 stars; one submission).

Conditions:
SYT1-related disorder. Also called: SYT1-related condition.

Allele frequency attached by ClinVar (database versions not stated): TOPMed 0.00003; gnomAD 0.00004; ExAC 0.00006; gnomAD exomes 0.00010.
gnomAD v4.1: 152 of 1,612,868 alleles (0.0094%); highest among the groups gnomAD compares: East Asian, 0.33%; no homozygotes.

Submission:

PreventionGenetics, part of Exact Sciences
Classification: Likely benign for SYT1-related condition. Last evaluated: 2019-06-17. Review status: no assertion criteria provided. Collection method: clinical testing. Allele origin: germline.
Comment: This variant is classified as likely benign based on ACMG/AMP sequence variant interpretation guidelines (Richards et al. 2015 PMID: 25741868, with internal and published modifications).